The following is an entry in ClinVar:

ClinVar aggregate classification (germline): Uncertain significance (1 of 4 stars; one submission).

Conditions:
Genitopatellar syndrome (GTPTS). Also called: ABSENT PATELLAE, SCROTAL HYPOPLASIA, RENAL ANOMALIES, FACIAL DYSMORPHISM, AND MENTAL RETARDATION; Genitopatellar syndrome (GPS). Identifiers: Orphanet 85201, MedGen C1853566, MONDO:0011640, OMIM 606170.

Submission:

Labcorp Genetics (formerly Invitae), Labcorp
Classification: Uncertain significance for Genitopatellar syndrome. Last evaluated: 2022-08-08. Review status: criteria provided, single submitter. Criteria: Invitae Variant Classification Sherloc (09022015). Collection method: clinical testing. Allele origin: germline.
Comment: In summary, the available evidence is currently insufficient to determine the role of this variant in disease. Therefore, it has been classified as a Variant of Uncertain Significance. Algorithms developed to predict the effect of sequence changes on RNA splicing suggest that this variant may disrupt the consensus splice site. This variant has not been reported in the literature in individuals affected with KAT6B-related conditions. This variant is not present in population databases (gnomAD no frequency). This sequence change affects codon 649 of the KAT6B mRNA. It is a 'silent' change, meaning that it does not change the encoded amino acid sequence of the KAT6B protein.

NM_012330.4(KAT6B):c.1947G>T (p.Gly649=)

Gene: KAT6B (lysine acetyltransferase 6B; plus strand). Cytogenetic location: 10q22.2.
Variant type: single nucleotide variant.
Coding change: c.1947G>T on transcript NM_012330.4 (MANE Select); coding-DNA position 1947, G replaced by T.
Protein change: p.Gly649=; no amino-acid change (glycine 649 retained).
Molecular consequence: synonymous variant. On other transcripts: intron variant (13).
Genome position (GRCh38, 1-based): chr10:74,976,284, G>T. VCF-style: chr10-74976284-G-T. GRCh37 (hg19) VCF-style: chr10-76736042-G-T.
Other names: c.1947G>T, p.Gly649= (NM_001370136.1, NM_001370137.1); c.1117+830G>T (NM_001370139.1, NM_001370140.1, NM_001370141.1 and 3 more transcripts); c.1444+503G>T (NM_001370138.1, NM_001256468.2); c.846+6509G>T (NM_001370133.1); c.193-2940G>T (NM_001370134.1); c.929-1032G>T (NM_001370143.1, NM_001370144.1); c.193-12735G>T (NM_001370135.1).
Identifiers: ClinVar variation 2022851 (VCV002022851.4), dbSNP rs2548957725, ClinGen allele CA470298915.
Genomic context (GRCh38, chr10:74,976,284, plus strand): 5'-CAGGATGCTAGGCAGATTAAAATATAAAGTGACCCCTCAGATGGGGACCCCCTCACCAGG[G>T]AAGGGGAGCTTGACAGACGGAAGGATTAAACCTGATCAGGATGATGGTAAGCAAAAGGTC-3'
Protein context (NP_036462.2, residues 639-659): VTPQMGTPSP[Gly649=]KGSLTDGRIK